The following is an entry in ClinVar:

NM_001322934.2(NFKB2):c.2053C>G (p.Arg685Gly)

Gene: NFKB2 (nuclear factor kappa B subunit 2; plus strand). Cytogenetic location: 10q24.32.
Variant type: single nucleotide variant.
Coding change: c.2053C>G on transcript NM_001322934.2 (MANE Select); coding-DNA position 2053, C replaced by G.
Protein change: p.Arg685Gly; replaces arginine 685 with glycine.
Molecular consequence: missense variant.
Genome position (GRCh38, 1-based): chr10:102,401,031, C>G. VCF-style: chr10-102401031-C-G. GRCh37 (hg19) VCF-style: chr10-104160788-C-G.
Other names: c.2053C>G, p.Arg685Gly (NM_001077493.1, NM_001077494.3, NM_001261403.3 and 2 more transcripts); c.1927C>G, p.Arg643Gly (NM_001322935.1); short protein forms R685G, R643G.
Identifiers: ClinVar variation 2087762 (VCV002087762.4), dbSNP rs1383601570, ClinGen allele CA377903991.

ClinVar aggregate classification (germline): Uncertain significance (1 of 4 stars; one submission).

Conditions:
Immunodeficiency, common variable, 10. Also called: IMMUNODEFICIENCY, COMMON VARIABLE, WITH CENTRAL ADRENAL INSUFFICIENCY; DEFICIT IN ANTERIOR PITUITARY FUNCTION AND VARIABLE IMMUNODEFICIENCY. Identifiers: MedGen C3809991, MONDO:0014260, OMIM 615577.

Submission:

Labcorp Genetics (formerly Invitae), Labcorp
Classification: Uncertain significance for Immunodeficiency, common variable, 10. Last evaluated: 2022-01-18. Review status: criteria provided, single submitter. Criteria: Invitae Variant Classification Sherloc (09022015). Collection method: clinical testing. Allele origin: germline.
Comment: This variant has not been reported in the literature in individuals affected with NFKB2-related conditions. Algorithms developed to predict the effect of missense changes on protein structure and function (SIFT, PolyPhen-2, Align-GVGD) all suggest that this variant is likely to be tolerated. This variant is not present in population databases (gnomAD no frequency). This sequence change replaces arginine, which is basic and polar, with glycine, which is neutral and non-polar, at codon 685 of the NFKB2 protein (p.Arg685Gly). In summary, the available evidence is currently insufficient to determine the role of this variant in disease. Therefore, it has been classified as a Variant of Uncertain Significance.